The following is an entry in ClinVar:

NM_004385.5(VCAN):c.9882C>T (p.Val3294=)

Gene: VCAN (versican; plus strand). Cytogenetic location: 5q14.3.
Variant type: single nucleotide variant.
Coding change: c.9882C>T on transcript NM_004385.5 (MANE Select); coding-DNA position 9882, C replaced by T.
Protein change: p.Val3294=; no amino-acid change (valine 3294 retained).
Molecular consequence: synonymous variant.
Genome position (GRCh38, 1-based): chr5:83,579,981, C>T. VCF-style: chr5-83579981-C-T. GRCh37 (hg19) VCF-style: chr5-82875800-C-T.
Other names: c.1659C>T, p.Val553= (NM_001126336.3); c.6921C>T, p.Val2307= (NM_001164097.2); c.4620C>T, p.Val1540= (NM_001164098.2).
Identifiers: ClinVar variation 259379 (VCV000259379.21), dbSNP rs308365, ClinGen allele CA3334123.
Genomic context (GRCh38, chr5:83,579,981, plus strand): 5'-ACTCATATTAGTTGAAATACTTAGATTATTTGGAAATAACCCAATTTGCTTTCCTTTAGT[C>T]GCTTGCGGCCAGCCCCCTGTTGTAGAAAATGCCAAGACCTTTGGAAAGATGAAACCTCGT-3'
Protein context (NP_004376.2, residues 3284-3304): HLTYTCKKGT[Val3294=]ACGQPPVVEN

ClinVar aggregate classification (germline): Benign/Likely benign. Review status: criteria provided, multiple submitters, no conflicts (2 of 4 stars). 8 submissions from 8 submitters: Benign (5); Likely benign (1). 2 of the submissions do not count toward it. Last evaluated 2026-02-04.

Conditions:
Vitreoretinopathy. Also called: Vitreoretinal degeneration. Identifiers: MedGen C0344290, MONDO:0020248, HP:0007773.
Wagner disease. Also called: WAGNER SYNDROME 1; Wagner syndrome; HYALOIDEORETINAL DEGENERATION OF WAGNER; WAGNER VITREORETINOPATHY; Wagner Vitreoretinal Degeneration (Wagner Synrdome); WAGNER VITREORETINAL DEGENERATION. Identifiers: Orphanet 898, MedGen C1840452, MONDO:0007740, OMIM 143200.

Allele frequency attached by ClinVar (database versions not stated): gnomAD exomes 0.96659 and 0.97537; gnomAD 0.97301 and 0.97404; ESP Exome Variant Server 0.97478; ExAC 0.97550; TOPMed 0.97610; 1000 Genomes Project 30x 0.99172; 1000 Genomes Project 0.99201.
gnomAD v4.1: 1,561,511 of 1,614,062 alleles (97%); highest among the groups gnomAD compares: East Asian, 100%; 755,470 homozygotes.

Submissions (8):

Labcorp Genetics (formerly Invitae), Labcorp
Classification: Benign. Last evaluated: 2026-02-04. Review status: criteria provided, single submitter. Criteria: Invitae Variant Classification Sherloc (09022015). Collection method: clinical testing. Allele origin: germline.

Blueprint Genetics
Classification: Likely benign. Last evaluated: 2024-11-27. Review status: criteria provided, single submitter. Criteria: ACMG Guidelines, 2015. Collection method: clinical testing. Allele origin: germline.

Genome-Nilou Lab
Classification: Benign for Wagner disease. Last evaluated: 2021-12-05. Review status: criteria provided, single submitter. Criteria: ACMG Guidelines, 2015. Collection method: clinical testing. Allele origin: germline. Affected: no.

GeneDx
Classification: Benign. Last evaluated: 2021-05-05. Review status: criteria provided, single submitter. Criteria: GeneDx Variant Classification Process June 2021. Collection method: clinical testing. Allele origin: germline. Affected: yes.

Illumina Laboratory Services, Illumina
Classification: Benign for Vitreoretinopathy. Last evaluated: 2018-01-13. Review status: criteria provided, single submitter. Criteria: ICSL Variant Classification Criteria 13 December 2019. Collection method: clinical testing. Allele origin: germline.
Comment: This variant was observed in the ICSL laboratory as part of a predisposition screen in an ostensibly healthy population. It had not been previously curated by ICSL or reported in the Human Gene Mutation Database (HGMD: prior to June 1st, 2018), and was therefore a candidate for classification through an automated scoring system. Utilizing variant allele frequency, disease prevalence and penetrance estimates, and inheritance mode, an automated score was calculated to assess if this variant is too frequent to cause the disease. Based on the score and internal cut-off values, a variant classified as benign is not then subjected to further curation. The score for this variant resulted in a classification of benign for this disease.

PreventionGenetics, part of Exact Sciences
Classification: Benign. Review status: criteria provided, single submitter. Criteria: ACMG Guidelines, 2015. Collection method: clinical testing. Allele origin: germline.

Genome Diagnostics Laboratory, Amsterdam University Medical Center
Classification: Benign for Wagner disease. Last evaluated: 2014-11-19. Review status: no assertion criteria provided. Criteria: ACGS Guidelines, 2013. Collection method: clinical testing. Allele origin: germline. Affected: yes. Study: VKGL Data-share Consensus. Not counted in ClinVar's aggregate classification.

Diagnostic Laboratory, Department of Genetics, University Medical Center Groningen
Classification: Benign for Wagner disease. Review status: no assertion criteria provided. Collection method: clinical testing. Allele origin: germline. Affected: yes. Study: VKGL Data-share Consensus. Not counted in ClinVar's aggregate classification.